The following is an entry in ClinVar:

NC_000021.8:g.(?_45655135)_(45655465_?)del

Gene: ICOSLG (inducible T cell costimulator ligand; minus strand). Cytogenetic location: 21q22.3.
Variant type: Deletion.
Identifiers: ClinVar variation 3248200 (VCV003248200.1).

ClinVar aggregate classification (germline): Uncertain significance (1 of 4 stars; one submission).

Submission:

Labcorp Genetics (formerly Invitae), Labcorp
Classification: Uncertain significance. Last evaluated: 2023-06-05. Review status: criteria provided, single submitter. Criteria: Invitae Variant Classification Sherloc (09022015). Collection method: clinical testing. Allele origin: unknown.
Comment: In summary, the available evidence is currently insufficient to determine the role of this variant in disease. Therefore, it has been classified as a Variant of Uncertain Significance. Experimental studies and prediction algorithms are not available or were not evaluated, and the functional significance of this variant is currently unknown. This variant has not been reported in the literature in individuals affected with ICOSLG-related conditions. This variant is a gross deletion of the genomic region encompassing exon(s) 4 of the ICOSLG gene. This variant would be expected to be in-frame, preserving the integrity of the reading frame.